The following is an entry in ClinVar:

NM_001366521.1(ATP2B1):c.2995G>A (p.Val999Ile)

Gene: ATP2B1 (ATPase plasma membrane Ca2+ transporting 1; minus strand). Cytogenetic location: 12q21.33.
Variant type: single nucleotide variant.
Coding change: c.2995G>A on transcript NM_001366521.1 (MANE Select); coding-DNA position 2995, G replaced by A.
Protein change: p.Val999Ile; replaces valine 999 with isoleucine.
Molecular consequence: missense variant. On other transcripts: non-coding transcript variant (3).
Genome position (GRCh38, 1-based): chr12:89,603,108, C>T on the plus strand (G>A on the coding strand, the complement: ATP2B1 is on the minus strand). VCF-style: chr12-89603108-C-T. GRCh37 (hg19) VCF-style: chr12-89996885-C-T.
Other names: c.2995G>A, p.Val999Ile (NM_001001323.2, NM_001366520.1, NM_001366522.1 and 12 more transcripts); c.2797G>A, p.Val933Ile (NM_001366530.1, NM_001413053.1); c.2434G>A, p.Val812Ile (NM_001366531.1, NM_001366532.1, NM_001413058.1 and 2 more transcripts); c.2740G>A, p.Val914Ile (NM_001413056.1); c.2542G>A, p.Val848Ile (NM_001413057.1); c.2956G>A, p.Val986Ile (NM_001413048.1); c.2854G>A, p.Val952Ile (NM_001413051.1, NM_001413052.1, NM_001413055.1); c.2752G>A, p.Val918Ile (NM_001413054.1); short protein forms V812I, V848I, V914I, V918I, V933I, V952I, V986I, V999I.
Identifiers: ClinVar variation 3360687 (VCV003360687.3).

ClinVar aggregate classification (germline): Uncertain significance (1 of 4 stars; one submission).

Conditions:
Intellectual developmental disorder, autosomal dominant 66. Also called: MENTAL RETARDATION, AUTOSOMAL DOMINANT 66. Identifiers: MedGen C5677000, MONDO:0030891, OMIM 619910.

Submission:

GeneDx
Classification: Uncertain significance. Last evaluated: 2026-10-01. Review status: criteria provided, single submitter. Criteria: GeneDx Variant Classification Process June 2021. Collection method: clinical testing. Allele origin: germline.
Comment: Not observed at significant frequency in large population cohorts (gnomAD); In silico analysis suggests that this missense variant does not alter protein structure/function; Has not been previously published as pathogenic or benign to our knowledge